The following is an entry in ClinVar:

NM_001013838.3(CARMIL2):c.3551A>T (p.Glu1184Val)

Gene: CARMIL2 (capping protein regulator and myosin 1 linker 2; plus strand). Cytogenetic location: 16q22.1.
Variant type: single nucleotide variant.
Coding change: c.3551A>T on transcript NM_001013838.3 (MANE Select); coding-DNA position 3551, A replaced by T.
Protein change: p.Glu1184Val; replaces glutamic acid 1184 with valine.
Molecular consequence: missense variant.
Genome position (GRCh38, 1-based): chr16:67,654,661, A>T. VCF-style: chr16-67654661-A-T. GRCh37 (hg19) VCF-style: chr16-67688564-A-T.
Other names: p.Glu1184Val; c.3551A>T (NM_001013838.1); c.3443A>T, p.Glu1148Val (NM_001317026.3); short protein forms E1148V, E1184V.
Identifiers: ClinVar variation 1599730 (VCV001599730.14), dbSNP rs150710381, ClinGen allele CA8114038.
Genomic context (GRCh38, chr16:67,654,661, plus strand): 5'-GCCGACCTCGCTACACAAGAGATAGCAAGGCCTACTCGATGATACTGCTGCCTGCCGAGG[A>T]GGAGGCAACGCTGGGTGCCAGACCCGACAAGGTGAGGCTTGCTGATGGGGGGTGGTGAAG-3'
Protein context (NP_001013860.1, residues 1174-1194): AYSMILLPAE[Glu1184Val]EATLGARPDK

ClinVar aggregate classification (germline): Conflicting classifications of pathogenicity. Review status: criteria provided, conflicting classifications (1 of 4 stars). 5 submissions from 5 submitters: Uncertain significance (1); Benign (2); Likely benign (1). 1 of the submissions does not count toward it. Last evaluated 2025-12-22.

Conditions:
CARMIL2-related disorder. Also called: CARMIL2-related condition.

Allele frequency attached by ClinVar (database versions not stated): gnomAD exomes 0.00021 and 0.00064; ExAC 0.00075; ESP Exome Variant Server 0.00167; gnomAD 0.00230 and 0.00242; TOPMed 0.00268; 1000 Genomes Project 0.00300; 1000 Genomes Project 30x 0.00312.
gnomAD v4.1: 662 of 1,586,156 alleles (0.042%); highest among the groups gnomAD compares: African/African-American, 0.82%; 2 homozygotes.

Submissions (6):

Labcorp Genetics (formerly Invitae), Labcorp
Classification: Benign. Last evaluated: 2025-12-22. Review status: criteria provided, single submitter. Criteria: Invitae Variant Classification Sherloc (09022015). Collection method: clinical testing. Allele origin: germline.

Mayo Clinic Laboratories, Mayo Clinic
Classification: Likely benign. Last evaluated: 2025-03-25. Review status: criteria provided, single submitter. Criteria: ACMG Guidelines, 2015. Collection method: clinical testing. Allele origin: germline. Observed: 1 variant allele.
Comment: BS1, BP4_moderate

GeneDx
Classification: Uncertain significance. Last evaluated: 2024-05-08. Review status: criteria provided, single submitter. Criteria: GeneDx Variant Classification Process June 2021. Collection method: clinical testing. Allele origin: germline. Affected: yes.
Comment: In silico analysis supports that this missense variant has a deleterious effect on protein structure/function; Has not been previously published as pathogenic or benign to our knowledge

Breakthrough Genomics
Classification: Benign. Review status: criteria provided, single submitter. Criteria: ACMG Guidelines, 2015. Collection method: not provided. Allele origin: germline. Inheritance: Autosomal recessive inheritance. Affected: yes.

PreventionGenetics, part of Exact Sciences
Classification: Benign for CARMIL2-related condition. Last evaluated: 2019-02-19. Review status: no assertion criteria provided. Collection method: clinical testing. Allele origin: germline. Not counted in ClinVar's aggregate classification.
Comment: This variant is classified as benign based on ACMG/AMP sequence variant interpretation guidelines (Richards et al. 2015 PMID: 25741868, with internal and published modifications).

Dr. Peter K. Rogan Lab, Western University
No classification provided (evidence only). Condition: Thymoma. Review status: no classification provided. Collection method: in vitro. Allele origin: not applicable. Functional consequence: retained intron. Not counted in ClinVar's aggregate classification.